The following is an entry in ClinVar:

NM_020987.5(ANK3):c.6982C>T (p.Arg2328Cys)

Gene: ANK3 (ankyrin 3; minus strand). Cytogenetic location: 10q21.2.
Variant type: single nucleotide variant.
Coding change: c.6982C>T on transcript NM_020987.5 (MANE Select); coding-DNA position 6982, C replaced by T.
Protein change: p.Arg2328Cys; replaces arginine 2328 with cysteine.
Molecular consequence: missense variant. On other transcripts: intron variant (4).
Genome position (GRCh38, 1-based): chr10:60,073,899, G>A on the plus strand (C>T on the coding strand, the complement: ANK3 is on the minus strand). VCF-style: chr10-60073899-G-A. GRCh37 (hg19) VCF-style: chr10-61833657-G-A.
Other names: c.4388-5890C>T (NM_001204403.2); c.4409-5890C>T (NM_001204404.2); c.4406-5890C>T (NM_001320874.2); c.1808-5890C>T (NM_001149.4); short protein forms R2328C.
Identifiers: ClinVar variation 423878 (VCV000423878.5), dbSNP rs147219129, ClinGen allele CA5511775.

ClinVar aggregate classification (germline): Conflicting classifications of pathogenicity. Review status: criteria provided, conflicting classifications (1 of 4 stars). 2 submissions from 2 submitters: Uncertain significance (1); Likely benign (1). Last evaluated 2025-03-30.

Conditions:
Inborn genetic diseases. Identifiers: MedGen C0950123, MeSH D030342.

Allele frequency attached by ClinVar (database versions not stated): TOPMed 0.00011; gnomAD exomes 0.00006; gnomAD 0.00011 and 0.00013; ESP Exome Variant Server 0.00046; ExAC 0.00007.
gnomAD v4.1: 82 of 1,613,616 alleles (0.0051%); highest among the groups gnomAD compares: African/African-American, 0.023%; no homozygotes.

Submissions (2):

Ambry Genetics
Classification: Likely benign for Inborn genetic diseases. Last evaluated: 2025-03-30. Review status: criteria provided, single submitter. Criteria: Ambry Variant Classification Scheme 2023. Collection method: clinical testing. Allele origin: germline.

GeneDx
Classification: Uncertain significance. Last evaluated: 2019-10-29. Review status: criteria provided, single submitter. Criteria: GeneDx Variant Classification Process June 2021. Collection method: clinical testing. Allele origin: germline. Affected: yes.
Comment: In silico analysis, which includes protein predictors and evolutionary conservation, supports that this variant does not alter protein structure/function; Has not been previously published as pathogenic or benign to our knowledge